The following is an entry in ClinVar:

ClinVar aggregate classification (germline): Likely benign (1 of 4 stars; one submission).

Submission:

CeGaT Center for Human Genetics Tuebingen
Classification: Likely benign. Last evaluated: 2025-02-01. Review status: criteria provided, single submitter. Criteria: CeGaT Center For Human Genetics Tuebingen Variant Classification Criteria Version 2. Collection method: clinical testing. Allele origin: germline. Affected: yes. Observed: 1 variant allele.
Comment: WDR81: PM2:Supporting, BP4, BP7

NM_001163809.2(WDR81):c.2079A>C (p.Ser693=)

Gene: WDR81 (WD repeat domain 81; plus strand). Cytogenetic location: 17p13.3.
Variant type: single nucleotide variant.
Coding change: c.2079A>C on transcript NM_001163809.2 (MANE Select); coding-DNA position 2079, A replaced by C.
Protein change: p.Ser693=; no amino-acid change (serine 693 retained).
Molecular consequence: synonymous variant. On other transcripts: intron variant (3).
Genome position (GRCh38, 1-based): chr17:1,727,038, A>C. VCF-style: chr17-1727038-A-C. GRCh37 (hg19) VCF-style: chr17-1630332-A-C.
Other names: c.-123-952A>C (NM_152348.4); c.59-3342A>C (NM_001163673.2); c.-15+2252A>C (NM_001163811.2).
Identifiers: ClinVar variation 3771781 (VCV003771781.13).